The following is an entry in ClinVar:

ClinVar aggregate classification (germline): Uncertain significance (1 of 4 stars; one submission).

Submission:

Labcorp Genetics (formerly Invitae), Labcorp
Classification: Uncertain significance. Last evaluated: 2021-05-21. Review status: criteria provided, single submitter. Criteria: Invitae Variant Classification Sherloc (09022015). Collection method: clinical testing. Allele origin: germline.
Comment: In summary, the available evidence is currently insufficient to determine the role of this variant in disease. Therefore, it has been classified as a Variant of Uncertain Significance. Algorithms developed to predict the effect of sequence changes on RNA splicing suggest that this variant may create or strengthen a splice site, but this prediction has not been confirmed by published transcriptional studies. This variant has not been reported in the literature in individuals with PSMG2-related conditions. This variant is not present in population databases (ExAC no frequency). This sequence change affects codon 49 of the PSMG2 mRNA. It is a 'silent' change, meaning that it does not change the encoded amino acid sequence of the PSMG2 protein.

NM_020232.5(PSMG2):c.147C>A (p.Thr49=)

Gene: PSMG2 (proteasome assembly chaperone 2; plus strand). Cytogenetic location: 18p11.21.
Variant type: single nucleotide variant.
Coding change: c.147C>A on transcript NM_020232.5 (MANE Select); coding-DNA position 147, C replaced by A.
Protein change: p.Thr49=; no amino-acid change (threonine 49 retained).
Molecular consequence: synonymous variant.
Genome position (GRCh38, 1-based): chr18:12,706,639, C>A. VCF-style: chr18-12706639-C-A. GRCh37 (hg19) VCF-style: chr18-12706638-C-A.
Other names: c.54C>A, p.Thr18= (NM_147163.2).
Identifiers: ClinVar variation 1355890 (VCV001355890.8), dbSNP rs796272716, ClinGen allele CA502984587.